The following is an entry in ClinVar:

ClinVar aggregate classification (germline): Uncertain significance (1 of 4 stars; one submission).

Conditions:
Cardiomyopathy (CMYO). Also called: Cardiomyopathies. Identifiers: Orphanet 167848, MedGen C0878544, MONDO:0004994, HP:0001638. Inheritance: Various modes of inheritance.

Submission:

Color Diagnostics, LLC DBA Color Health
Classification: Uncertain significance for Cardiomyopathy. Last evaluated: 2024-03-06. Review status: criteria provided, single submitter. Criteria: ACMG Guidelines, 2015. Collection method: clinical testing. Allele origin: germline.
Comment: This missense variant replaces alanine with glycine at codon 1439 of the RYR2 protein. Computational prediction suggests that this variant may not impact protein structure and function (internally defined REVEL score threshold <= 0.5, PMID: 27666373). Splice site prediction tools are inconclusive regarding the impact of this variant on RNA splicing. To our knowledge, functional studies have not been reported for this variant. This variant has not been reported in individuals affected with cardiovascular disorders in the literature. This variant has not been identified in the general population by the Genome Aggregation Database (gnomAD). The available evidence is insufficient to determine the role of this variant in disease conclusively. Therefore, this variant is classified as a Variant of Uncertain Significance.

NM_001035.3(RYR2):c.4316C>G (p.Ala1439Gly)

Gene: RYR2 (ryanodine receptor 2; plus strand). Cytogenetic location: 1q43.
Variant type: single nucleotide variant.
Coding change: c.4316C>G on transcript NM_001035.3 (MANE Select); coding-DNA position 4316, C replaced by G.
Protein change: p.Ala1439Gly; replaces alanine 1439 with glycine.
Molecular consequence: missense variant.
Genome position (GRCh38, 1-based): chr1:237,593,516, C>G. VCF-style: chr1-237593516-C-G. GRCh37 (hg19) VCF-style: chr1-237756816-C-G.
Other names: short protein forms A1439G.
Identifiers: ClinVar variation 924283 (VCV000924283.4), dbSNP rs1675467871, ClinGen allele CA345399675.